The following is an entry in ClinVar:

NM_004364.5(CEBPA):c.432G>C (p.Glu144Asp)

Gene: CEBPA (CCAAT enhancer binding protein alpha; minus strand). Cytogenetic location: 19q13.11.
Variant type: single nucleotide variant.
Coding change: c.432G>C on transcript NM_004364.5 (MANE Select); coding-DNA position 432, G replaced by C.
Protein change: p.Glu144Asp; replaces glutamic acid 144 with aspartic acid.
Molecular consequence: missense variant.
Genome position (GRCh38, 1-based): chr19:33,301,983, C>G on the plus strand (G>C on the coding strand, the complement: CEBPA is on the minus strand). VCF-style: chr19-33301983-C-G. GRCh37 (hg19) VCF-style: chr19-33792889-C-G.
Other names: c.75G>C, p.Glu25Asp (NM_001285829.2); c.537G>C, p.Glu179Asp (NM_001287424.2); c.390G>C, p.Glu130Asp (NM_001287435.2); short protein forms E130D, E144D, E25D, E179D.
Identifiers: ClinVar variation 1347023 (VCV001347023.8), dbSNP rs1555742184, ClinGen allele CA405274966.

ClinVar aggregate classification (germline): Uncertain significance (1 of 4 stars; one submission).

Conditions:
Acute myeloid leukemia (AML). Also called: Leukemia, acute myeloid, somatic; Leukemia, acute myelogenous, somatic; Acute myeloid leukemia, adult; AML adult; Acute non-lymphocytic leukemia; Acute granulocytic leukemia. Identifiers: Orphanet 519, MedGen C0023467, MeSH D015470, MONDO:0018874, OMIM 601626, HP:0004808. Disease mechanism: Constitutively activated FLT3.

Submission:

Labcorp Genetics (formerly Invitae), Labcorp
Classification: Uncertain significance for Acute myeloid leukemia. Last evaluated: 2022-07-19. Review status: criteria provided, single submitter. Criteria: Invitae Variant Classification Sherloc (09022015). Collection method: clinical testing. Allele origin: germline.
Comment: This sequence change replaces glutamic acid, which is acidic and polar, with aspartic acid, which is acidic and polar, at codon 144 of the CEBPA protein (p.Glu144Asp). In summary, the available evidence is currently insufficient to determine the role of this variant in disease. Therefore, it has been classified as a Variant of Uncertain Significance. Algorithms developed to predict the effect of missense changes on protein structure and function output the following: SIFT: "Tolerated"; PolyPhen-2: "Benign"; Align-GVGD: "Class C0". The aspartic acid amino acid residue is found in multiple mammalian species, which suggests that this missense change does not adversely affect protein function. ClinVar contains an entry for this variant (Variation ID: 1347023). This variant has not been reported in the literature in individuals affected with CEBPA-related conditions. The frequency data for this variant in the population databases is considered unreliable, as metrics indicate insufficient coverage at this position in the gnomAD database.